The following is an entry in ClinVar:

ClinVar aggregate classification (germline): Pathogenic (1 of 4 stars; one submission).

Conditions:
Fanconi anemia complementation group O. Also called: RAD51C-Related Fanconi Anemia. Identifiers: Orphanet 84, MedGen C3150653, MONDO:0013248, OMIM 613390.

Submission:

Labcorp Genetics (formerly Invitae), Labcorp
Classification: Pathogenic for Fanconi anemia complementation group O. Last evaluated: 2017-09-01. Review status: criteria provided, single submitter. Criteria: Invitae Variant Classification Sherloc (09022015). Collection method: clinical testing. Allele origin: germline.
Comment: This variant is a gross deletion of the genomic region encompassing exons 1-5 of the RAD51C gene, which includes the initiator codon. The 5' end of this event is unknown as it extends beyond the assayed region for this gene and therefore may encompass additional genes. The 3' boundary is likely confined to intron 5 of the RAD51C gene. This is expected to result in an absent or disrupted protein product. While deletion of exons 1-5 has not been reported in the literature, loss-of-function variants in RAD51C are known to be pathogenic (PMID: 20400964, 21990120, 24800917). For these reasons, this variant has been classified as Pathogenic.

Literature cited by the submitters: PubMed 20400964; PubMed 21990120; PubMed 24800917.

NC_000017.10:g.(?_56769999)_(56787357_?)del

Gene: RAD51C (RAD51 paralog C; plus strand). Cytogenetic location: 17q22.
Variant type: Deletion.
Identifiers: ClinVar variation 471420 (VCV000471420.1).